The following is an entry in ClinVar:

NM_182931.3(KMT2E):c.4247C>G (p.Pro1416Arg)

Gene: KMT2E (lysine methyltransferase 2E (inactive); plus strand). Cytogenetic location: 7q22.3.
Variant type: single nucleotide variant.
Coding change: c.4247C>G on transcript NM_182931.3 (MANE Select); coding-DNA position 4247, C replaced by G.
Protein change: p.Pro1416Arg; replaces proline 1416 with arginine.
Molecular consequence: missense variant.
Genome position (GRCh38, 1-based): chr7:105,112,003, C>G. VCF-style: chr7-105112003-C-G. GRCh37 (hg19) VCF-style: chr7-104752450-C-G.
Other names: c.4121C>G, p.Pro1374Arg (NM_001410908.1); c.4247C>G, p.Pro1416Arg (NM_018682.4); c.4247C>G (NM_182931.2); short protein forms P1416R, P1374R.
Identifiers: ClinVar variation 2876911 (VCV002876911.4), dbSNP rs762349452, ClinGen allele CA4424713.

ClinVar aggregate classification (germline): Uncertain significance. Review status: criteria provided, multiple submitters, no conflicts (2 of 4 stars). 2 submissions from 2 submitters: Uncertain significance (2). Last evaluated 2023-12-17.

Conditions:
Inborn genetic diseases. Identifiers: MedGen C0950123, MeSH D030342.

Allele frequency attached by ClinVar (database versions not stated): ExAC 0.00001; gnomAD 0.00001.
gnomAD v4.1: 13 of 1,614,074 alleles (0.00081%); highest among the groups gnomAD compares: Non-Finnish European, 0.0011%; no homozygotes.

Submissions (2):

Ambry Genetics
Classification: Uncertain significance for Inborn genetic diseases. Last evaluated: 2023-12-17. Review status: criteria provided, single submitter. Criteria: Ambry Variant Classification Scheme 2023. Collection method: clinical testing. Allele origin: germline.

Labcorp Genetics (formerly Invitae), Labcorp
Classification: Uncertain significance. Last evaluated: 2022-11-10. Review status: criteria provided, single submitter. Criteria: Invitae Variant Classification Sherloc (09022015). Collection method: clinical testing. Allele origin: germline.
Comment: This variant has not been reported in the literature in individuals affected with KMT2E-related conditions. In summary, the available evidence is currently insufficient to determine the role of this variant in disease. Therefore, it has been classified as a Variant of Uncertain Significance. Advanced modeling of protein sequence and biophysical properties (such as structural, functional, and spatial information, amino acid conservation, physicochemical variation, residue mobility, and thermodynamic stability) performed at Invitae indicates that this missense variant is not expected to disrupt KMT2E protein function. This variant is present in population databases (rs762349452, gnomAD 0.002%). This sequence change replaces proline, which is neutral and non-polar, with arginine, which is basic and polar, at codon 1416 of the KMT2E protein (p.Pro1416Arg).